The following is an entry in ClinVar:

NM_004991.4(MECOM):c.3482A>G (p.Lys1161Arg)

Gene: MECOM (MDS1 and EVI1 complex locus; minus strand). Cytogenetic location: 3q26.2.
Variant type: single nucleotide variant.
Coding change: c.3482A>G on transcript NM_004991.4 (MANE Select); coding-DNA position 3482, A replaced by G.
Protein change: p.Lys1161Arg; replaces lysine 1161 with arginine.
Molecular consequence: missense variant.
Genome position (GRCh38, 1-based): chr3:169,089,103, T>C on the plus strand (A>G on the coding strand, the complement: MECOM is on the minus strand). VCF-style: chr3-169089103-T-C. GRCh37 (hg19) VCF-style: chr3-168806891-T-C.
Other names: c.3113A>G, p.Lys1038Arg (NM_001105077.4); c.2918A>G, p.Lys973Arg (NM_001105078.4, NM_001205194.2, NM_001366469.2 and 1 more transcripts); c.2894A>G, p.Lys965Arg (NM_001163999.2, NM_001366470.2); c.2891A>G, p.Lys964Arg (NM_001164000.2, NM_001366471.2, NM_001366472.2); c.3455A>G, p.Lys1152Arg (NM_001366466.2); c.2921A>G, p.Lys974Arg (NM_001366467.2, NM_001366468.2); c.2483A>G, p.Lys828Arg (NM_001366473.2); c.1919A>G, p.Lys640Arg (NM_001366474.2); short protein forms K1152R, K1161R, K964R, K974R, K973R, K1038R, K640R, K828R.
Identifiers: ClinVar variation 3671769 (VCV003671769.2).
Genomic context (GRCh38, chr3:169,089,103, plus strand): 5'-GGCACATGGGAAGTACTAAAAGAAGACAGCTCAGCTTCAGAATATTGATTATCTTCCATT[T>C]TCCTCATTTTGAGGCTATCTGTGAAGTGCCTTATATGATCTAGAGCAGAAAGTCCACTTT-3'
Protein context (NP_004982.2, residues 1151-1171): RHFTDSLKMR[Lys1161Arg]MEDNQYSEAE

ClinVar aggregate classification (germline): Uncertain significance (1 of 4 stars; one submission).

Submission:

Labcorp Genetics (formerly Invitae), Labcorp
Classification: Uncertain significance. Last evaluated: 2024-07-31. Review status: criteria provided, single submitter. Criteria: Invitae Variant Classification Sherloc (09022015). Collection method: clinical testing. Allele origin: germline.
Comment: This sequence change replaces lysine, which is basic and polar, with arginine, which is basic and polar, at codon 973 of the MECOM protein (p.Lys973Arg). This variant is not present in population databases (gnomAD no frequency). This variant has not been reported in the literature in individuals affected with MECOM-related conditions. An algorithm developed to predict the effect of missense changes on protein structure and function (PolyPhen-2) suggests that this variant is likely to be tolerated. In summary, the available evidence is currently insufficient to determine the role of this variant in disease. Therefore, it has been classified as a Variant of Uncertain Significance.